The following is an entry in ClinVar:

NM_001042545.2(LTBP4):c.3478G>A (p.Glu1160Lys)

Gene: LTBP4 (latent transforming growth factor beta binding protein 4; plus strand). Cytogenetic location: 19q13.2.
Variant type: single nucleotide variant.
Coding change: c.3478G>A on transcript NM_001042545.2 (MANE Select); coding-DNA position 3478, G replaced by A.
Protein change: p.Glu1160Lys; replaces glutamic acid 1160 with lysine.
Molecular consequence: missense variant.
Genome position (GRCh38, 1-based): chr19:40,622,661, G>A. VCF-style: chr19-40622661-G-A. GRCh37 (hg19) VCF-style: chr19-41128566-G-A.
Other names: c.3679G>A, p.Glu1227Lys (NM_001042544.1); c.3568G>A, p.Glu1190Lys (NM_003573.2); short protein forms E1160K, E1190K, E1227K.
Identifiers: ClinVar variation 451742 (VCV000451742.7), dbSNP rs778595954, ClinGen allele CA9449012.
Genomic context (GRCh38, chr19:40,622,661, plus strand): 5'-TGCTGTACTGTGGGTGAGGGCTGGGGCAGCGGCTGCCGCATCCAGCAGTGCCCGGGCACC[G>A]AGACAGGTGGGCATGGGCTGATGGGGACACAGGGCTGAGGGCTTGGGTGGAAATACTGGG-3'
Protein context (NP_001036010.1, residues 1150-1170): GCRIQQCPGT[Glu1160Lys]TAEYQSLCPH

ClinVar aggregate classification (germline): Conflicting classifications of pathogenicity. Review status: criteria provided, conflicting classifications (1 of 4 stars). 4 submissions from 4 submitters: Uncertain significance (3); Likely benign (1). Last evaluated 2025-06-16.

Conditions:
Cutis laxa with severe pulmonary, gastrointestinal and urinary anomalies. Also called: URBAN-RIFKIN-DAVIS SYNDROME; Cutis laxa, autosomal recessive, type IC; LTBP4-Related Cutis Laxa. Identifiers: Orphanet 221145, MedGen C2750804, MONDO:0013170, OMIM 613177. Disease mechanism: loss of function.

Allele frequency attached by ClinVar (database versions not stated): gnomAD 0.00014 and 0.00017; TOPMed 0.00017; gnomAD exomes 0.00019 and 0.00025; ExAC 0.00028.
gnomAD v4.1: 318 of 1,600,600 alleles (0.02%); highest among the groups gnomAD compares: Middle Eastern, 0.43%; no homozygotes.

Submissions (4):

GeneDx
Classification: Uncertain significance. Last evaluated: 2025-06-16. Review status: criteria provided, single submitter. Criteria: GeneDx Variant Classification Process June 2021. Collection method: clinical testing. Allele origin: germline. Affected: yes.
Comment: In silico analysis suggests that this missense variant does not alter protein structure/function; Has not been previously published as pathogenic or benign to our knowledge

Blueprint Genetics
Classification: Likely benign. Last evaluated: 2024-09-13. Review status: criteria provided, single submitter. Criteria: ACMG Guidelines, 2015. Collection method: clinical testing. Allele origin: germline.

Labcorp Genetics (formerly Invitae), Labcorp
Classification: Uncertain significance. Last evaluated: 2022-01-26. Review status: criteria provided, single submitter. Criteria: Invitae Variant Classification Sherloc (09022015). Collection method: clinical testing. Allele origin: germline.
Comment: This sequence change replaces glutamic acid, which is acidic and polar, with lysine, which is basic and polar, at codon 1190 of the LTBP4 protein (p.Glu1190Lys). This variant is present in population databases (rs778595954, gnomAD 0.07%). This variant has not been reported in the literature in individuals affected with LTBP4-related conditions. ClinVar contains an entry for this variant (Variation ID: 451742). Experimental studies and prediction algorithms are not available or were not evaluated, and the functional significance of this variant is currently unknown. In summary, the available evidence is currently insufficient to determine the role of this variant in disease. Therefore, it has been classified as a Variant of Uncertain Significance.

Baylor Genetics
Classification: Uncertain significance for Cutis laxa with severe pulmonary, gastrointestinal and urinary anomalies. Last evaluated: 2018-05-31. Review status: criteria provided, single submitter. Criteria: ACMG Guidelines, 2015. Collection method: clinical testing. Allele origin: paternal. Affected: yes.
Comment: This variant was determined to be of uncertain significance according to ACMG Guidelines, 2015 [PMID:25741868].